The following is an entry in ClinVar:

NM_021120.4(DLG3):c.215A>T (p.Lys72Met)

Gene: DLG3 (discs large MAGUK scaffold protein 3; plus strand). Cytogenetic location: Xq13.1.
Variant type: single nucleotide variant.
Coding change: c.215A>T on transcript NM_021120.4 (MANE Select); coding-DNA position 215, A replaced by T.
Protein change: p.Lys72Met; replaces lysine 72 with methionine.
Molecular consequence: missense variant.
Genome position (GRCh38, 1-based): chrX:70,445,416, A>T. VCF-style: chrX-70445416-A-T. GRCh37 (hg19) VCF-style: chrX-69665266-A-T.
Other names: short protein forms K72M.
Identifiers: ClinVar variation 4976122 (VCV004976122.1).

ClinVar aggregate classification (germline): Uncertain significance (1 of 4 stars; one submission).

Submission:

GeneDx
Classification: Uncertain significance. Last evaluated: 2026-02-03. Review status: criteria provided, single submitter. Criteria: GeneDx Variant Classification Process June 2021. Collection method: clinical testing. Allele origin: germline.
Comment: Not observed at significant frequency in large population cohorts (gnomAD); In silico analysis suggests that this missense variant does not alter protein structure/function; Has not been previously published as pathogenic or benign to our knowledge